The following is an entry in ClinVar:

ClinVar aggregate classification (germline): Uncertain significance (1 of 4 stars; one submission).

Conditions:
Charcot-Marie-Tooth disease axonal type 2O. Also called: Charcot-Marie-Tooth disease, axonal, type 20; CHARCOT-MARIE-TOOTH NEUROPATHY, AXONAL, TYPE 2O; CHARCOT-MARIE-TOOTH DISEASE, AXONAL, AUTOSOMAL DOMINANT, TYPE 2O; Charcot-Marie-Tooth Neuropathy Type 2O. Identifiers: Orphanet 284232, MedGen C3280220, MONDO:0013644, OMIM 614228.

Submission:

Labcorp Genetics (formerly Invitae), Labcorp
Classification: Uncertain significance for Charcot-Marie-Tooth disease axonal type 2O. Last evaluated: 2024-08-28. Review status: criteria provided, single submitter. Criteria: Invitae Variant Classification Sherloc (09022015). Collection method: clinical testing. Allele origin: germline.
Comment: This sequence change replaces asparagine, which is neutral and polar, with serine, which is neutral and polar, at codon 2322 of the DYNC1H1 protein (p.Asn2322Ser). This variant is not present in population databases (gnomAD no frequency). This variant has not been reported in the literature in individuals affected with DYNC1H1-related conditions. Invitae Evidence Modeling of protein sequence and biophysical properties (such as structural, functional, and spatial information, amino acid conservation, physicochemical variation, residue mobility, and thermodynamic stability) indicates that this missense variant is expected to disrupt DYNC1H1 protein function with a positive predictive value of 95%. In summary, the available evidence is currently insufficient to determine the role of this variant in disease. Therefore, it has been classified as a Variant of Uncertain Significance.

NM_001376.5(DYNC1H1):c.6965A>G (p.Asn2322Ser)

Gene: DYNC1H1 (dynein cytoplasmic 1 heavy chain 1; plus strand). Cytogenetic location: 14q32.31.
Variant type: single nucleotide variant.
Coding change: c.6965A>G on transcript NM_001376.5 (MANE Select); coding-DNA position 6965, A replaced by G.
Protein change: p.Asn2322Ser; replaces asparagine 2322 with serine.
Molecular consequence: missense variant.
Genome position (GRCh38, 1-based): chr14:102,012,421, A>G. VCF-style: chr14-102012421-A-G. GRCh37 (hg19) VCF-style: chr14-102478758-A-G.
Other names: short protein forms N2322S.
Identifiers: ClinVar variation 3636154 (VCV003636154.2).